The following is an entry in ClinVar:

ClinVar aggregate classification (germline): Uncertain significance. Review status: criteria provided, multiple submitters, no conflicts (2 of 4 stars). 4 submissions from 4 submitters: Uncertain significance (3). 1 of the submissions does not count toward it. Last evaluated 2025-11-01.

Conditions:
SRP72-related disorder. Also called: SRP72-related condition.

Allele frequency attached by ClinVar (database versions not stated): ExAC 0.00001; gnomAD 0.00001; TOPMed 0.00001.
gnomAD v4.1: 1 of 1,614,116 alleles (0.000062%); highest among the groups gnomAD compares: African/African-American, 0.0013%; no homozygotes.

Submissions (4):

CeGaT Center for Human Genetics Tuebingen
Classification: Uncertain significance. Last evaluated: 2025-11-01. Review status: criteria provided, single submitter. Criteria: CeGaT Center For Human Genetics Tuebingen Variant Classification Criteria Version 2. Collection method: clinical testing. Allele origin: germline. Affected: yes. Observed: 1 variant allele.
Comment: SRP72: PM2

Labcorp Genetics (formerly Invitae), Labcorp
Classification: Uncertain significance. Last evaluated: 2025-10-26. Review status: criteria provided, single submitter. Criteria: Invitae Variant Classification Sherloc (09022015). Collection method: clinical testing. Allele origin: germline.
Comment: This sequence change replaces asparagine, which is neutral and polar, with aspartic acid, which is acidic and polar, at codon 181 of the SRP72 protein (p.Asn181Asp). This variant is present in population databases (rs770014514, gnomAD 0.007%). This variant has not been reported in the literature in individuals affected with SRP72-related conditions. ClinVar contains an entry for this variant (Variation ID: 3029065). Invitae Evidence Modeling of protein sequence and biophysical properties (such as structural, functional, and spatial information, amino acid conservation, physicochemical variation, residue mobility, and thermodynamic stability) indicates that this missense variant is expected to disrupt SRP72 protein function with a positive predictive value of 80%. In summary, the available evidence is currently insufficient to determine the role of this variant in disease. Therefore, it has been classified as a Variant of Uncertain Significance.

Ambry Genetics
Classification: Uncertain significance. Last evaluated: 2024-12-03. Review status: criteria provided, single submitter. Criteria: Ambry Variant Classification Scheme 2023. Collection method: clinical testing. Allele origin: germline.
Comment: The p.N181D variant (also known as c.541A>G), located in coding exon 5 of the SRP72 gene, results from an A to G substitution at nucleotide position 541. The asparagine at codon 181 is replaced by aspartic acid, an amino acid with highly similar properties. This amino acid position is conserved. In addition, this alteration is predicted to be deleterious by in silico analysis. Based on the available evidence, the clinical significance of this variant remains unclear.

PreventionGenetics, part of Exact Sciences
Classification: Uncertain significance for SRP72-related condition. Last evaluated: 2023-12-18. Review status: no assertion criteria provided. Collection method: clinical testing. Allele origin: germline. Not counted in ClinVar's aggregate classification.
Comment: The SRP72 c.541A>G variant is predicted to result in the amino acid substitution p.Asn181Asp. To our knowledge, this variant has not been reported in the literature. This variant is reported in 0.0062% of alleles in individuals of African descent in gnomAD. At this time, the clinical significance of this variant is uncertain due to the absence of conclusive functional and genetic evidence.

NM_006947.4(SRP72):c.541A>G (p.Asn181Asp)

Gene: SRP72 (signal recognition particle 72; plus strand). Cytogenetic location: 4q12.
Variant type: single nucleotide variant.
Coding change: c.541A>G on transcript NM_006947.4 (MANE Select); coding-DNA position 541, A replaced by G.
Protein change: p.Asn181Asp; replaces asparagine 181 with aspartic acid.
Molecular consequence: missense variant. On other transcripts: non-coding transcript variant (1).
Genome position (GRCh38, 1-based): chr4:56,474,322, A>G. VCF-style: chr4-56474322-A-G. GRCh37 (hg19) VCF-style: chr4-57340488-A-G.
Other names: c.541A>G, p.Asn181Asp (NM_001267722.2); short protein forms N181D.
Identifiers: ClinVar variation 3029065 (VCV003029065.10), dbSNP rs770014514, ClinGen allele CA2931098.